The following is an entry in ClinVar:

ClinVar aggregate classification (germline): Uncertain significance. Review status: criteria provided, multiple submitters, no conflicts (2 of 4 stars). 2 submissions from 2 submitters: Uncertain significance (2). Last evaluated 2025-09-01.

Conditions:
Developmental and epileptic encephalopathy, 65. Also called: EPILEPTIC ENCEPHALOPATHY, EARLY INFANTILE, 65. Identifiers: MedGen C4693925, MONDO:0033374, OMIM 618008.
Inborn genetic diseases. Identifiers: MedGen C0950123, MeSH D030342.

gnomAD v4.1: 7 of 1,613,942 alleles (0.00043%); highest among the groups gnomAD compares: South Asian, 0.0066%; no homozygotes.

Submissions (2):

Ambry Genetics
Classification: Uncertain significance for Inborn genetic diseases. Last evaluated: 2025-09-01. Review status: criteria provided, single submitter. Criteria: Ambry Variant Classification Scheme 2023. Collection method: clinical testing. Allele origin: germline.

Neuberg Centre For Genomic Medicine, NCGM
Classification: Uncertain significance for Developmental and epileptic encephalopathy, 65. Last evaluated: 2023-05-20. Review status: criteria provided, single submitter. Criteria: ACMG Guidelines, 2015. Collection method: clinical testing. Allele origin: germline. Inheritance: Autosomal dominant inheritance. Affected: yes.
Comment: The observed missense variant in gene has not been reported previously as a pathogenic variant nor as a benign variant, to our knowledge. This variant is reported with the allele frequency of 0.0004% in the gnomAD Exomes. The amino acid Ser at position 1233 is changed to a Cys changing protein sequence and it might alter its composition and physico-chemical properties. The amino acid change p.Ser1233Cys in CYFIP2 is predicted as conserved by GERP++ and PhyloP across 100 vertebrates. Computational evidence (Polyphen - Probably damaging/Benign, SIFT - Tolerated, and MutationTaster - Disease causing) predicts conflicting evidence on protein structure and function for this variant. For these reasons, this variant has been classified as Uncertain Significance.

NM_001037333.3(CYFIP2):c.3698C>G (p.Ser1233Cys)

Genes: CYFIP2 (cytoplasmic FMR1 interacting protein 2; plus strand), NIPAL4-DT (NIPAL4 divergent transcript; minus strand). Cytogenetic location: 5q33.3.
Variant type: single nucleotide variant.
Coding change: c.3698C>G on transcript NM_001037333.3 (MANE Select); coding-DNA position 3698, C replaced by G.
Protein change: p.Ser1233Cys; replaces serine 1233 with cysteine.
Molecular consequence: missense variant.
Genome position (GRCh38, 1-based): chr5:157,392,936, C>G. VCF-style: chr5-157392936-C-G. GRCh37 (hg19) VCF-style: chr5-156819944-C-G.
Other names: c.3620C>G, p.Ser1207Cys (NM_001291721.2); c.3773C>G, p.Ser1258Cys (NM_001291722.2); c.3698C>G, p.Ser1233Cys (NM_014376.4); c.3698C>G (NM_001037333.1); short protein forms S1207C, S1233C, S1258C.
Identifiers: ClinVar variation 3341448 (VCV003341448.2).
Genomic context (GRCh38, chr5:157,392,936, plus strand): 5'-TGAACAATGAGGTTTTTGCCATCCTGAACAAATACATGAAGTCCGTGGAGACAGACAGTT[C>G]CACTGTGGAGCATGTGCGCTGCTTCCAGCCACCCATCCACCAGTCCTTGGCCACCACTTG-3'
Protein context (NP_001032410.1, residues 1223-1243): KYMKSVETDS[Ser1233Cys]TVEHVRCFQP